The following is an entry in ClinVar:

ClinVar aggregate classification (germline): Likely benign. Review status: criteria provided, multiple submitters, no conflicts (2 of 4 stars). 2 submissions from 2 submitters: Likely benign (2). Last evaluated 2025-09-21.

Conditions:
ABCB4-related disorder. Also called: ABCB4-related disorders; ABCB4-related condition.

Allele frequency attached by ClinVar (database versions not stated): gnomAD exomes 0.00001.
gnomAD v4.1: 12 of 1,612,912 alleles (0.00074%); highest among the groups gnomAD compares: Non-Finnish European, 0.001%; no homozygotes.

Submissions (2):

PreventionGenetics, part of Exact Sciences
Classification: Likely benign for ABCB4-related condition. Last evaluated: 2025-09-21. Review status: criteria provided, single submitter. Criteria: ACMG Guidelines, 2015. Collection method: clinical testing. Allele origin: germline.
Comment: This variant is classified as likely benign based on ACMG/AMP sequence variant interpretation guidelines (Richards et al. 2015 PMID: 25741868, with internal and published modifications).

Labcorp Genetics (formerly Invitae), Labcorp
Classification: Likely benign. Last evaluated: 2023-04-02. Review status: criteria provided, single submitter. Criteria: Invitae Variant Classification Sherloc (09022015). Collection method: clinical testing. Allele origin: germline.

NM_000443.4(ABCB4):c.345-5T>G

Gene: ABCB4 (ATP binding cassette subfamily B member 4; minus strand). Cytogenetic location: 7q21.12.
Variant type: single nucleotide variant.
Coding change: c.345-5T>G on transcript NM_000443.4 (MANE Select); 5 bases into the intron before coding-DNA position 345, T replaced by G.
Molecular consequence: intron variant.
Genome position (GRCh38, 1-based): chr7:87,453,140, A>C on the plus strand (T>G on the coding strand, the complement: ABCB4 is on the minus strand). VCF-style: chr7-87453140-A-C. GRCh37 (hg19) VCF-style: chr7-87082456-A-C.
Other names: c.345-5T>G (NM_000443.3, NM_018850.3, NM_018849.3).
Identifiers: ClinVar variation 2908789 (VCV002908789.4), dbSNP rs2546865244, ClinGen allele CA2683602460.